The following is an entry in ClinVar:

NM_173660.5(DOK7):c.54+30G>A

Gene: DOK7 (docking protein 7; plus strand). Cytogenetic location: 4p16.3.
Variant type: single nucleotide variant.
Coding change: c.54+30G>A on transcript NM_173660.5 (MANE Select); 30 bases into the intron after coding-DNA position 54, G replaced by A.
Molecular consequence: intron variant.
Genome position (GRCh38, 1-based): chr4:3,463,459, G>A. VCF-style: chr4-3463459-G-A. GRCh37 (hg19) VCF-style: chr4-3465186-G-A.
Other names: c.54+30G>A (NM_001164673.2, NM_001301071.2, NM_001363811.2 and 1 more transcripts).
Identifiers: ClinVar variation 1635355 (VCV001635355.10), dbSNP rs562528761, ClinGen allele CA2828848.

ClinVar aggregate classification (germline): Likely benign. Review status: criteria provided, single submitter (1 of 4 stars). 2 submissions from 2 submitters: Likely benign (1). 1 of the submissions does not count toward it. Last evaluated 2026-01-24.

Conditions:
DOK7-related disorder. Also called: DOK7-related condition.
Fetal akinesia deformation sequence 1 (FADS1). Also called: Pena-Shokeir syndrome type I; Fetal akinesia sequence. Identifiers: Orphanet 994, MedGen C1276035, MONDO:0100101, OMIM 208150, HP:0001989.
Congenital myasthenic syndrome 10. Also called: Myasthenia, limb-girdle, familial. Identifiers: Orphanet 590, MedGen C1850792, MONDO:0009690, OMIM 254300.

Allele frequency attached by ClinVar (database versions not stated): TOPMed 0.00016; 1000 Genomes Project 0.00040.

Submissions (2):

Labcorp Genetics (formerly Invitae), Labcorp
Classification: Likely benign for Congenital myasthenic syndrome 10; Fetal akinesia deformation sequence 1. Last evaluated: 2026-01-24. Review status: criteria provided, single submitter. Criteria: Invitae Variant Classification Sherloc (09022015). Collection method: clinical testing. Allele origin: germline.

PreventionGenetics, part of Exact Sciences
Classification: Likely benign for DOK7-related condition. Last evaluated: 2019-05-09. Review status: no assertion criteria provided. Collection method: clinical testing. Allele origin: germline. Not counted in ClinVar's aggregate classification.
Comment: This variant is classified as likely benign based on ACMG/AMP sequence variant interpretation guidelines (Richards et al. 2015 PMID: 25741868, with internal and published modifications).